The following is an entry in ClinVar:

ClinVar aggregate classification (germline): Pathogenic. Review status: criteria provided, multiple submitters, no conflicts (2 of 4 stars). 3 submissions from 3 submitters: Pathogenic (2). 1 of the submissions does not count toward it. Last evaluated 2025-01-06.

Conditions:
Patterned dystrophy of the retinal pigment epithelium (MDPT1). Identifiers: Orphanet 63454, MedGen C1868569, MONDO:0018973.
PRPH2-related disorder. Also called: PRPH2-related condition; PRPH2-related disorders. Identifiers: MedGen CN239395.

Submissions (3):

Labcorp Genetics (formerly Invitae), Labcorp
Classification: Pathogenic for PRPH2-related disorder. Last evaluated: 2025-01-06. Review status: criteria provided, single submitter. Criteria: Invitae Variant Classification Sherloc (09022015). Collection method: clinical testing. Allele origin: germline.
Comment: This sequence change replaces cysteine, which is neutral and slightly polar, with tryptophan, which is neutral and slightly polar, at codon 213 of the PRPH2 protein (p.Cys213Trp). This variant is not present in population databases (gnomAD no frequency). This missense change has been observed in individuals with pattern dystrophy (PMID: 32531846; internal data). ClinVar contains an entry for this variant (Variation ID: 941494). Invitae Evidence Modeling of protein sequence and biophysical properties (such as structural, functional, and spatial information, amino acid conservation, physicochemical variation, residue mobility, and thermodynamic stability) indicates that this missense variant is expected to disrupt PRPH2 protein function with a positive predictive value of 95%. This variant disrupts the p.Cys213 amino acid residue in PRPH2. Other variant(s) that disrupt this residue have been determined to be pathogenic (PMID: 11934323, 28559085). This suggests that this residue is clinically significant, and that variants that disrupt this residue are likely to be disease-causing. For these reasons, this variant has been classified as Pathogenic.

NEI Ophthalmic Genomics Laboratory, National Institutes of Health
Classification: Pathogenic for Patterned dystrophy of the retinal pigment epithelium. Last evaluated: 2020-01-07. Review status: criteria provided, single submitter. Criteria: ACMG Guidelines, 2015. Collection method: clinical testing. Allele origin: germline. Affected: yes.
Comment: The variant NM_000322.4:c.639C>G in the PRPH2 gene has not been reported to our knowledge . We found this variant in 2 patient(s) in a PRPH2 cohort study (Reeves et al. 2020). This variant is not listed in dbSNP and/or HGMD. It is absent in gnomAD browser. It is enriched in the PRPH2 disease cohort. We invoked ACMG criteria [PS4, PM1, PM2, PM5, PP3] and classified NM_000322.4:c.639C>G in the PRPH2 gene as a Pathogenic mutation.

Leiden Open Variation Database
Classification: Likely pathogenic. Last evaluated: 2021-04-06. Review status: no assertion criteria provided. Collection method: curation. Allele origin: germline. Affected: yes. Not counted in ClinVar's aggregate classification.
Comment: Curator: Global Variome, with Curator vacancy. Submitter to LOVD: Manon Peeters.

Literature cited by the submitters: PubMed 32531846 (cited by Labcorp Genetics (formerly Invitae), Labcorp and Leiden Open Variation Database); PubMed 11934323 (cited by Labcorp Genetics (formerly Invitae), Labcorp); PubMed 28559085 (cited by Labcorp Genetics (formerly Invitae), Labcorp); PubMed 32579694 (cited by Leiden Open Variation Database).

NM_000322.5(PRPH2):c.639C>G (p.Cys213Trp)

Gene: PRPH2 (peripherin 2; minus strand). Cytogenetic location: 6p21.1.
Variant type: single nucleotide variant.
Coding change: c.639C>G on transcript NM_000322.5 (MANE Select); coding-DNA position 639, C replaced by G.
Protein change: p.Cys213Trp; replaces cysteine 213 with tryptophan.
Molecular consequence: missense variant.
Genome position (GRCh38, 1-based): chr6:42,704,554, G>C on the plus strand (C>G on the coding strand, the complement: PRPH2 is on the minus strand). VCF-style: chr6-42704554-G-C. GRCh37 (hg19) VCF-style: chr6-42672292-G-C.
Other names: short protein forms C213W.
Identifiers: ClinVar variation 941494 (VCV000941494.9), dbSNP rs1800115811, ClinGen allele CA364135582.